The following is an entry in ClinVar:

ClinVar aggregate classification (germline): Uncertain significance. Review status: criteria provided, multiple submitters, no conflicts (2 of 4 stars). 2 submissions from 2 submitters: Uncertain significance (2). Last evaluated 2024-03-07.

Conditions:
Cranioectodermal dysplasia 1 (CED1). Also called: LEVIN SYNDROME I. Identifiers: Orphanet 1515, MedGen C0432235, MONDO:0021093, OMIM 218330.

Allele frequency attached by ClinVar (database versions not stated): ExAC 0.00002; gnomAD exomes 0.00002; gnomAD 0.00007.

Submissions (2):

Fulgent Genetics
Classification: Uncertain significance for Cranioectodermal dysplasia 1. Last evaluated: 2024-03-07. Review status: criteria provided, single submitter. Criteria: ACMG Guidelines, 2015. Collection method: clinical testing. Allele origin: germline.

Labcorp Genetics (formerly Invitae), Labcorp
Classification: Uncertain significance for Cranioectodermal dysplasia 1. Last evaluated: 2022-08-22. Review status: criteria provided, single submitter. Criteria: Invitae Variant Classification Sherloc (09022015). Collection method: clinical testing. Allele origin: germline.
Comment: In summary, the available evidence is currently insufficient to determine the role of this variant in disease. Therefore, it has been classified as a Variant of Uncertain Significance. Algorithms developed to predict the effect of missense changes on protein structure and function are either unavailable or do not agree on the potential impact of this missense change (SIFT: "Deleterious"; PolyPhen-2: "Probably Damaging"; Align-GVGD: "Class C0"). ClinVar contains an entry for this variant (Variation ID: 1424015). This variant has not been reported in the literature in individuals affected with IFT122-related conditions. The frequency data for this variant in the population databases is considered unreliable, as metrics indicate poor data quality at this position in the gnomAD database. This sequence change replaces leucine, which is neutral and non-polar, with phenylalanine, which is neutral and non-polar, at codon 790 of the IFT122 protein (p.Leu790Phe).

NM_052989.3(IFT122):c.2215C>T (p.Leu739Phe)

Gene: IFT122 (intraflagellar transport 122; plus strand). Cytogenetic location: 3q21.3.
Variant type: single nucleotide variant.
Coding change: c.2215C>T on transcript NM_052989.3 (MANE Select); coding-DNA position 2215, C replaced by T.
Protein change: p.Leu739Phe; replaces leucine 739 with phenylalanine.
Molecular consequence: missense variant.
Genome position (GRCh38, 1-based): chr3:129,499,908, C>T. VCF-style: chr3-129499908-C-T. GRCh37 (hg19) VCF-style: chr3-129218751-C-T.
Other names: c.2191C>T, p.Leu731Phe (NM_001280541.2); c.1765C>T, p.Leu589Phe (NM_001280545.2); c.1588C>T, p.Leu530Phe (NM_001280546.2); c.2038C>T, p.Leu680Phe (NM_018262.4); c.2368C>T, p.Leu790Phe (NM_052985.4); c.1882C>T, p.Leu628Phe (NM_052990.3); short protein forms L790F, L628F, L680F, L731F, L739F, L530F, L589F.
Identifiers: ClinVar variation 1424015 (VCV001424015.8), dbSNP rs763332787, ClinGen allele CA2606455.